The following is an entry in ClinVar:

ClinVar aggregate classification (germline): Uncertain significance. Review status: criteria provided, multiple submitters, no conflicts (2 of 4 stars). 2 submissions from 2 submitters: Uncertain significance (2). Last evaluated 2023-11-03.

Conditions:
Peroxisome biogenesis disorder 2B (PBD2B). Identifiers: Orphanet 44, MedGen C3550234, MONDO:0008736, OMIM 202370.

Allele frequency attached by ClinVar (database versions not stated): gnomAD exomes 0.00001; TOPMed 0.00001.
gnomAD v4.1: 13 of 1,614,052 alleles (0.00081%); highest among the groups gnomAD compares: African/African-American, 0.0013%; no homozygotes.

Submissions (2):

Blueprint Genetics
Classification: Uncertain significance. Last evaluated: 2023-11-03. Review status: criteria provided, single submitter. Criteria: ACMG Guidelines, 2015. Collection method: clinical testing. Allele origin: germline.

Labcorp Genetics (formerly Invitae), Labcorp
Classification: Uncertain significance for Peroxisome biogenesis disorder 2B. Last evaluated: 2022-02-05. Review status: criteria provided, single submitter. Criteria: Invitae Variant Classification Sherloc (09022015). Collection method: clinical testing. Allele origin: germline.
Comment: This sequence change replaces alanine, which is neutral and non-polar, with valine, which is neutral and non-polar, at codon 408 of the PEX5 protein (p.Ala408Val). This variant is present in population databases (no rsID available, gnomAD 0.002%). This variant has not been reported in the literature in individuals affected with PEX5-related conditions. Algorithms developed to predict the effect of missense changes on protein structure and function are either unavailable or do not agree on the potential impact of this missense change (SIFT: "Tolerated"; PolyPhen-2: "Probably Damaging"; Align-GVGD: "Class C0"). In summary, the available evidence is currently insufficient to determine the role of this variant in disease. Therefore, it has been classified as a Variant of Uncertain Significance.

NM_001351132.2(PEX5):c.1223C>T (p.Ala408Val)

Gene: PEX5 (peroxisomal biogenesis factor 5; plus strand). Cytogenetic location: 12p13.31.
Variant type: single nucleotide variant.
Coding change: c.1223C>T on transcript NM_001351132.2 (MANE Select); coding-DNA position 1223, C replaced by T.
Protein change: p.Ala408Val; replaces alanine 408 with valine.
Molecular consequence: missense variant.
Genome position (GRCh38, 1-based): chr12:7,208,498, C>T. VCF-style: chr12-7208498-C-T. GRCh37 (hg19) VCF-style: chr12-7361094-C-T.
Other names: c.1199C>T, p.Ala400Val (NM_000319.5); c.1268C>T, p.Ala423Val (NM_001131023.2); c.1112C>T, p.Ala371Val (NM_001131024.2, NM_001351124.3, NM_001351126.2 and 7 more transcripts); c.1223C>T, p.Ala408Val (NM_001131025.2, NM_001131026.2, NM_001300789.3 and 4 more transcripts); c.1157C>T, p.Ala386Val (NM_001351135.3, NM_001351138.2); c.1214C>T, p.Ala405Val (NM_001351136.2); c.1088C>T, p.Ala363Val (NM_001351139.2, NM_001351140.2, NM_001374649.2); short protein forms A363V, A405V, A408V, A400V, A371V, A386V, A423V.
Identifiers: ClinVar variation 1474249 (VCV001474249.7), dbSNP rs1218031120, ClinGen allele CA383732661.